The following is an entry in ClinVar:

NM_000059.4(BRCA2):c.9256+6415A>G

Gene: BRCA2 (BRCA2 DNA repair associated; plus strand). Cytogenetic location: 13q13.1.
Variant type: single nucleotide variant.
Coding change: c.9256+6415A>G on transcript NM_000059.4 (MANE Select); 6415 bases into the intron after coding-DNA position 9256, A replaced by G.
Molecular consequence: intron variant.
Genome position (GRCh38, 1-based): chr13:32,386,560, A>G. VCF-style: chr13-32386560-A-G. GRCh37 (hg19) VCF-style: chr13-32960697-A-G.
Other names: IVS 24+6415A>G.
Identifiers: ClinVar variation 209875 (VCV000209875.1), dbSNP rs186228399, ClinGen allele CA276843.

ClinVar aggregate classification (germline): Benign (3 of 4 stars; one submission).

Conditions:
Breast-ovarian cancer, familial, susceptibility to, 2 (BROVCA2). Also called: BRCA2 Hereditary Breast and Ovarian Cancer. Identifiers: Orphanet 145, MedGen C2675520, MONDO:0012933, OMIM 612555. Disease mechanism: loss of function.

Allele frequency attached by ClinVar (database versions not stated): 1000 Genomes Project 0.01258; 1000 Genomes Project 30x 0.01327; gnomAD 0.01517 and 0.01631; TOPMed 0.01679.
gnomAD v4.1: 2,161 of 144,314 alleles (1.5%); highest among the groups gnomAD compares: African/African-American, 5.1%; 53 homozygotes.

Submission:

Evidence-based Network for the Interpretation of Germline Mutant Alleles (ENIGMA)
Classification: Benign for Breast-ovarian cancer, familial 2. Last evaluated: 2015-01-12. Review status: reviewed by expert panel. Criteria: ENIGMA BRCA1/2 Classification Criteria (2015). Collection method: curation. Allele origin: germline.
Comment: Class 1 not pathogenic based on frequency >1% in an outbred sampleset. Frequency 0.03862 (African), derived from 1000 genomes (2012-04-30).